The following is an entry in ClinVar:

ClinVar aggregate classification (germline): Uncertain significance (1 of 4 stars; one submission).

Conditions:
Epidermolysis bullosa simplex with nail dystrophy (EBS5D). Identifiers: MedGen C4225309, MONDO:0014661, OMIM 616487.
Autosomal recessive limb-girdle muscular dystrophy type 2Q (LGMDR17). Also called: MUSCULAR DYSTROPHY, LIMB-GIRDLE, AUTOSOMAL RECESSIVE 17. Identifiers: Orphanet 254361, MedGen C3150989, MONDO:0013390, OMIM 613723.
Epidermolysis bullosa simplex 5B, with muscular dystrophy (EBS5B). Also called: Epidermolysis bullosa simplex with muscular dystrophy; EPIDERMOLYSIS BULLOSA SIMPLEX AND LIMB-GIRDLE MUSCULAR DYSTROPHY. Identifiers: Orphanet 257, MedGen C2931072, MONDO:0009181, OMIM 226670.
Epidermolysis bullosa simplex 5C, with pyloric atresia (EBS5C). Also called: PLEC-Related Epidermolysis Bullosa with Pyloric Atresia; Epidermolysis bullosa simplex with pyloric atresia; PLEC1-Related Epidermolysis Bullosa with Pyloric Atresia. Identifiers: Orphanet 158684, MedGen C2677349, MONDO:0012807, OMIM 612138.
Epidermolysis bullosa simplex, Ogna type (EBS5A). Also called: Pidermolysis bullosa simplex 5A, Ogna type; EPIDERMOLYSIS BULLOSA SIMPLEX 5A, OGNA TYPE. Identifiers: Orphanet 79401, MedGen C0432317, MONDO:0007555, OMIM 131950.

gnomAD v4.1: 2 of 1,604,136 alleles (0.00012%); highest among the groups gnomAD compares: South Asian, 0.0011%; no homozygotes.

Submission:

Labcorp Genetics (formerly Invitae), Labcorp
Classification: Uncertain significance for Autosomal recessive limb-girdle muscular dystrophy type 2Q; Epidermolysis bullosa simplex, Ogna type; Epidermolysis bullosa simplex with nail dystrophy; Epidermolysis bullosa simplex 5C, with pyloric atresia; Epidermolysis bullosa simplex 5B, with muscular dystrophy. Last evaluated: 2024-09-29. Review status: criteria provided, single submitter. Criteria: Invitae Variant Classification Sherloc (09022015). Collection method: clinical testing. Allele origin: germline.
Comment: This sequence change replaces alanine, which is neutral and non-polar, with threonine, which is neutral and polar, at codon 4260 of the PLEC protein (p.Ala4260Thr). This variant is present in population databases (rs782408631, gnomAD 0.003%). This variant has not been reported in the literature in individuals affected with PLEC-related conditions. Invitae Evidence Modeling of protein sequence and biophysical properties (such as structural, functional, and spatial information, amino acid conservation, physicochemical variation, residue mobility, and thermodynamic stability) has been performed for this missense variant. However, the output from this modeling did not meet the statistical confidence thresholds required to predict the impact of this variant on PLEC protein function. In summary, the available evidence is currently insufficient to determine the role of this variant in disease. Therefore, it has been classified as a Variant of Uncertain Significance.

NM_201384.3(PLEC):c.12697G>A (p.Ala4233Thr)

Gene: PLEC (plectin; minus strand). Cytogenetic location: 8q24.3.
Variant type: single nucleotide variant.
Coding change: c.12697G>A on transcript NM_201384.3 (MANE Select); coding-DNA position 12697, G replaced by A.
Protein change: p.Ala4233Thr; replaces alanine 4233 with threonine.
Molecular consequence: missense variant.
Genome position (GRCh38, 1-based): chr8:143,917,124, C>T on the plus strand (G>A on the coding strand, the complement: PLEC is on the minus strand). VCF-style: chr8-143917124-C-T. GRCh37 (hg19) VCF-style: chr8-144991292-C-T.
Other names: c.9397G>A, p.Ala3133Thr (NM_001410941.1); c.12655G>A, p.Ala4219Thr (NM_201378.4); c.12631G>A, p.Ala4211Thr (NM_201379.3); c.13108G>A, p.Ala4370Thr (NM_201380.4); c.12601G>A, p.Ala4201Thr (NM_201381.3); c.12697G>A, p.Ala4233Thr (NM_201382.4); c.12709G>A, p.Ala4237Thr (NM_201383.3); c.12778G>A, p.Ala4260Thr (NM_000445.5); short protein forms A3133T, A4201T, A4211T, A4219T, A4233T, A4237T, A4260T, A4370T.
Identifiers: ClinVar variation 3748961 (VCV003748961.2).